The following is an entry in ClinVar:

ClinVar aggregate classification (germline): Uncertain significance. Review status: criteria provided, multiple submitters, no conflicts (2 of 4 stars). 3 submissions from 3 submitters: Uncertain significance (3). Last evaluated 2024-06-11.

Conditions:
Chédiak-Higashi syndrome (CHS). Also called: Chediak-Higashi Syndrome. Identifiers: Orphanet 167, MedGen C0007965, MONDO:0008963, OMIM 214500.

Allele frequency attached by ClinVar (database versions not stated): ESP Exome Variant Server 0.00008; ExAC 0.00009; TOPMed 0.00016; gnomAD 0.00018.
gnomAD v4.1: 484 of 1,612,822 alleles (0.03%); highest among the groups gnomAD compares: Non-Finnish European, 0.039%; no homozygotes.

Submissions (3):

Women's Health and Genetics/Laboratory Corporation of America, LabCorp
Classification: Uncertain significance. Last evaluated: 2024-06-11. Review status: criteria provided, single submitter. Criteria: LabCorp Variant Classification Summary - May 2015. Collection method: clinical testing. Allele origin: germline.
Comment: Variant summary: LYST c.6982G>A (p.Asp2328Asn) results in a conservative amino acid change in the encoded protein sequence. Three of five in-silico tools predict a damaging effect of the variant on protein function. The variant allele was found at a frequency of 9.6e-05 in 251102 control chromosomes. This frequency is not significantly higher than estimated for a pathogenic variant in LYST causing Chediak-Higashi Syndrome (9.6e-05 vs 0.0011), allowing no conclusion about variant significance. To our knowledge, no occurrence of c.6982G>A in individuals affected with Chediak-Higashi Syndrome and no experimental evidence demonstrating its impact on protein function have been reported. ClinVar contains an entry for this variant (Variation ID: 859119). Based on the evidence outlined above, the variant was classified as uncertain significance.

Labcorp Genetics (formerly Invitae), Labcorp
Classification: Uncertain significance for Chédiak-Higashi syndrome. Last evaluated: 2022-10-24. Review status: criteria provided, single submitter. Criteria: Invitae Variant Classification Sherloc (09022015). Collection method: clinical testing. Allele origin: germline.
Comment: This sequence change replaces aspartic acid, which is acidic and polar, with asparagine, which is neutral and polar, at codon 2328 of the LYST protein (p.Asp2328Asn). This variant is present in population databases (rs372000599, gnomAD 0.02%). This variant has not been reported in the literature in individuals affected with LYST-related conditions. ClinVar contains an entry for this variant (Variation ID: 859119). Advanced modeling of protein sequence and biophysical properties (such as structural, functional, and spatial information, amino acid conservation, physicochemical variation, residue mobility, and thermodynamic stability) performed at Invitae indicates that this missense variant is not expected to disrupt LYST protein function. In summary, the available evidence is currently insufficient to determine the role of this variant in disease. Therefore, it has been classified as a Variant of Uncertain Significance.

Illumina Laboratory Services, Illumina
Classification: Uncertain significance for Chédiak-Higashi syndrome. Last evaluated: 2018-01-12. Review status: criteria provided, single submitter. Criteria: ICSL Variant Classification Criteria 13 December 2019. Collection method: clinical testing. Allele origin: germline.

NM_000081.4(LYST):c.6982G>A (p.Asp2328Asn)

Gene: LYST (lysosomal trafficking regulator; minus strand). Cytogenetic location: 1q42.3.
Variant type: single nucleotide variant.
Coding change: c.6982G>A on transcript NM_000081.4 (MANE Select); coding-DNA position 6982, G replaced by A.
Protein change: p.Asp2328Asn; replaces aspartic acid 2328 with asparagine.
Molecular consequence: missense variant.
Genome position (GRCh38, 1-based): chr1:235,757,358, C>T on the plus strand (G>A on the coding strand, the complement: LYST is on the minus strand). VCF-style: chr1-235757358-C-T. GRCh37 (hg19) VCF-style: chr1-235920658-C-T.
Other names: c.6982G>A, p.Asp2328Asn (NM_001301365.1); short protein forms D2328N.
Identifiers: ClinVar variation 859119 (VCV000859119.7), dbSNP rs372000599, ClinGen allele CA1466254.